The following is an entry in ClinVar:

NM_018297.4(NGLY1):c.839A>G (p.Asp280Gly)

Gene: NGLY1 (N-glycanase 1; minus strand). Cytogenetic location: 3p24.2.
Variant type: single nucleotide variant.
Coding change: c.839A>G on transcript NM_018297.4 (MANE Select); coding-DNA position 839, A replaced by G.
Protein change: p.Asp280Gly; replaces aspartic acid 280 with glycine.
Molecular consequence: missense variant.
Genome position (GRCh38, 1-based): chr3:25,739,619, T>C on the plus strand (A>G on the coding strand, the complement: NGLY1 is on the minus strand). VCF-style: chr3-25739619-T-C. GRCh37 (hg19) VCF-style: chr3-25781110-T-C.
Other names: c.839A>G, p.Asp280Gly (NM_001145293.2, NM_001145295.2); c.713A>G, p.Asp238Gly (NM_001145294.2); short protein forms D238G, D280G.
Identifiers: ClinVar variation 3392729 (VCV003392729.1).

ClinVar aggregate classification (germline): Uncertain significance (1 of 4 stars; one submission).

gnomAD v4.1: 3 of 1,614,128 alleles (0.00019%); highest among the groups gnomAD compares: Non-Finnish European, 0.00025%; no homozygotes.

Submission:

GeneDx
Classification: Uncertain significance. Last evaluated: 2024-06-24. Review status: criteria provided, single submitter. Criteria: GeneDx Variant Classification Process June 2021. Collection method: clinical testing. Allele origin: germline. Affected: yes.
Comment: Not observed at significant frequency in large population cohorts (gnomAD); In silico analysis indicates that this missense variant does not alter protein structure/function; Has not been previously published as pathogenic or benign to our knowledge